The following is an entry in ClinVar:

ClinVar aggregate classification (germline): Uncertain significance (1 of 4 stars; one submission).

Conditions:
Hereditary cancer-predisposing syndrome. Also called: Hereditary Cancer Syndrome; Hereditary neoplastic syndrome; Tumor predisposition; Neoplastic Syndromes, Hereditary. Identifiers: Orphanet 140162, MedGen C0027672, MeSH D009386, MONDO:0015356.

Submission:

Ambry Genetics
Classification: Uncertain significance for Hereditary cancer-predisposing syndrome. Last evaluated: 2021-06-21. Review status: criteria provided, single submitter. Criteria: Ambry Variant Classification Scheme 2023. Collection method: clinical testing. Allele origin: germline.
Comment: The p.E820G variant (also known as c.2459A>G), located in coding exon 10 of the AXIN2 gene, results from an A to G substitution at nucleotide position 2459. The glutamic acid at codon 820 is replaced by glycine, an amino acid with similar properties. This amino acid position is highly conserved in available vertebrate species. In addition, this alteration is predicted to be deleterious by in silico analysis. Since supporting evidence is limited at this time, the clinical significance of this alteration remains unclear.

NM_004655.4(AXIN2):c.2459A>G (p.Glu820Gly)

Gene: AXIN2 (axin 2; minus strand). Cytogenetic location: 17q24.1.
Variant type: single nucleotide variant.
Coding change: c.2459A>G on transcript NM_004655.4 (MANE Select); coding-DNA position 2459, A replaced by G.
Protein change: p.Glu820Gly; replaces glutamic acid 820 with glycine.
Molecular consequence: missense variant.
Genome position (GRCh38, 1-based): chr17:65,530,049, T>C on the plus strand (A>G on the coding strand, the complement: AXIN2 is on the minus strand). VCF-style: chr17-65530049-T-C. GRCh37 (hg19) VCF-style: chr17-63526167-T-C.
Other names: c.2264A>G, p.Glu755Gly (NM_001363813.1); short protein forms E820G, E755G.
Identifiers: ClinVar variation 1791587 (VCV001791587.2), dbSNP rs2509368595, ClinGen allele CA400674866.